The following is an entry in ClinVar:

ClinVar aggregate classification (germline): Likely pathogenic (1 of 4 stars; one submission).

Conditions:
Hereditary nonpolyposis colon cancer (HNPCC). Also called: Hereditary nonpolyposis colorectal cancer; Familial nonpolyposis colon cancer; Hereditary Nonpolyposis Colorectal Cancer Syndrome. Identifiers: Orphanet 443909, MedGen C1333990, MONDO:0018630. Disease mechanism: loss of function.

Submission:

Women's Health and Genetics/Laboratory Corporation of America, LabCorp
Classification: Likely pathogenic for Hereditary nonpolyposis colon cancer. Last evaluated: 2021-12-24. Review status: criteria provided, single submitter. Criteria: LabCorp Variant Classification Summary - May 2015. Collection method: clinical testing. Allele origin: germline.
Comment: Variant summary: MSH6 c.3961A>T (p.Arg1321X) results in a premature termination codon, predicted to cause a truncation of the encoded protein or absence of the protein due to nonsense mediated decay, which are commonly known mechanisms for disease. Truncations downstream of this position have been classified as pathogenic by our laboratory. The variant was absent in 248336 control chromosomes. c.3961A>T has been reported in the literature in at-least one individual affected with Hereditary Nonpolyposis Colorectal Cancer/Lynch syndrome (example, Terui_2013). To our knowledge, no experimental evidence demonstrating an impact on protein function has been reported. No clinical diagnostic laboratories have submitted clinical-significance assessments for this variant to ClinVar after 2014. Based on the evidence outlined above, the variant was classified as likely pathogenic.

Literature cited by the submitters: PubMed 24100870.

NM_000179.3(MSH6):c.3961A>T (p.Arg1321Ter)

Gene: MSH6 (mutS homolog 6; plus strand). Cytogenetic location: 2p16.3.
Variant type: single nucleotide variant.
Coding change: c.3961A>T on transcript NM_000179.3 (MANE Select); coding-DNA position 3961, A replaced by T.
Protein change: p.Arg1321Ter; replaces arginine 1321 with a stop codon.
Molecular consequence: nonsense.
Genome position (GRCh38, 1-based): chr2:47,806,611, A>T. VCF-style: chr2-47806611-A-T. GRCh37 (hg19) VCF-style: chr2-48033750-A-T.
Other names: c.3571A>T, p.Arg1191Ter (NM_001281492.2); c.3055A>T, p.Arg1019Ter (NM_001281493.2, NM_001281494.2); short protein forms R1019*, R1191*, R1321*.
Identifiers: ClinVar variation 1331479 (VCV001331479.1), dbSNP rs41295278, ClinGen allele CA346761543.